The following is an entry in ClinVar:

NM_024529.5(CDC73):c.1105A>G (p.Thr369Ala)

Gene: CDC73 (cell division cycle 73; plus strand). Cytogenetic location: 1q31.2.
Variant type: single nucleotide variant.
Coding change: c.1105A>G on transcript NM_024529.5 (MANE Select); coding-DNA position 1105, A replaced by G.
Protein change: p.Thr369Ala; replaces threonine 369 with alanine.
Molecular consequence: missense variant.
Genome position (GRCh38, 1-based): chr1:193,212,428, A>G. VCF-style: chr1-193212428-A-G. GRCh37 (hg19) VCF-style: chr1-193181558-A-G.
Other names: short protein forms T369A.
Identifiers: ClinVar variation 943285 (VCV000943285.11), dbSNP rs762532730, ClinGen allele CA1303773.

ClinVar aggregate classification (germline): Uncertain significance. Review status: criteria provided, multiple submitters, no conflicts (2 of 4 stars). 2 submissions from 2 submitters: Uncertain significance (2). Last evaluated 2025-04-07.

Conditions:
Hereditary cancer-predisposing syndrome. Also called: Neoplastic Syndromes, Hereditary; Hereditary Cancer Syndrome; Tumor predisposition; Hereditary neoplastic syndrome. Identifiers: Orphanet 140162, MedGen C0027672, MeSH D009386, MONDO:0015356.
Parathyroid carcinoma (PRTC). Also called: Parathyroid gland carcinoma; CDC73-Related Parathyroid Carcinoma. Identifiers: Orphanet 143, MedGen C0687150, MONDO:0012004, OMIM 608266, HP:0006780.

Allele frequency attached by ClinVar (database versions not stated): gnomAD exomes below 0.00001; ExAC 0.00001; gnomAD 0.00001.
gnomAD v4.1: 2 of 1,607,774 alleles (0.00012%); highest among the groups gnomAD compares: East Asian, 0.0022%; no homozygotes.

Submissions (2):

Ambry Genetics
Classification: Uncertain significance for Hereditary cancer-predisposing syndrome. Last evaluated: 2025-04-07. Review status: criteria provided, single submitter. Criteria: Ambry Variant Classification Scheme 2023. Collection method: clinical testing. Allele origin: germline.
Comment: The p.T369A variant (also known as c.1105A>G), located in coding exon 13 of the CDC73 gene, results from an A to G substitution at nucleotide position 1105. The threonine at codon 369 is replaced by alanine, an amino acid with similar properties. This amino acid position is conserved. In addition, this alteration is predicted to be deleterious by in silico analysis. Based on the available evidence, the clinical significance of this variant remains unclear.

Labcorp Genetics (formerly Invitae), Labcorp
Classification: Uncertain significance for Parathyroid carcinoma. Last evaluated: 2024-07-24. Review status: criteria provided, single submitter. Criteria: Invitae Variant Classification Sherloc (09022015). Collection method: clinical testing. Allele origin: germline.
Comment: This sequence change replaces threonine, which is neutral and polar, with alanine, which is neutral and non-polar, at codon 369 of the CDC73 protein (p.Thr369Ala). The frequency data for this variant in the population databases is considered unreliable, as metrics indicate poor data quality at this position in the gnomAD database. This variant has not been reported in the literature in individuals affected with CDC73-related conditions. ClinVar contains an entry for this variant (Variation ID: 943285). Advanced modeling of protein sequence and biophysical properties (such as structural, functional, and spatial information, amino acid conservation, physicochemical variation, residue mobility, and thermodynamic stability) performed at Invitae indicates that this missense variant is not expected to disrupt CDC73 protein function with a negative predictive value of 80%. In summary, the available evidence is currently insufficient to determine the role of this variant in disease. Therefore, it has been classified as a Variant of Uncertain Significance.